The following is an entry in ClinVar:

ClinVar aggregate classification (germline): Conflicting classifications of pathogenicity. Review status: criteria provided, conflicting classifications (1 of 4 stars). 14 submissions from 14 submitters: Uncertain significance (1); Benign (4); Likely benign (5). 4 of the submissions do not count toward it. Last evaluated 2026-06-01.

Conditions:
ACP5-related disorder. Also called: ACP5-related condition.
Spondyloenchondrodysplasia with immune dysregulation (SPENCDI). Also called: COMBINED IMMUNODEFICIENCY WITH AUTOIMMUNITY AND SPONDYLOMETAPHYSEAL DYSPLASIA; SPONDYLOENCHONDRODYSPLASIA WITH OR WITHOUT IMMUNE DYSREGULATION; ROIFMAN IMMUNOSKELETAL SYNDROME. Identifiers: Orphanet 1855, MedGen C1842763, MONDO:0011939, OMIM 607944.

Allele frequency attached by ClinVar (database versions not stated): 1000 Genomes Project 0.00200; 1000 Genomes Project 30x 0.00203; gnomAD 0.00333 and 0.00338; TOPMed 0.00333; ESP Exome Variant Server 0.00438.

Submissions (14):

CeGaT Center for Human Genetics Tuebingen
Classification: Likely benign. Last evaluated: 2026-06-01. Review status: criteria provided, single submitter. Criteria: CeGaT Center For Human Genetics Tuebingen Variant Classification Criteria Version 2. Collection method: clinical testing. Allele origin: germline. Affected: yes. Observed: 11 variant alleles.
Comment: ACP5: BP4, BS2

Labcorp Genetics (formerly Invitae), Labcorp
Classification: Benign for Spondyloenchondrodysplasia with immune dysregulation. Last evaluated: 2026-02-01. Review status: criteria provided, single submitter. Criteria: Invitae Variant Classification Sherloc (09022015). Collection method: clinical testing. Allele origin: germline.

Women's Health and Genetics/Laboratory Corporation of America, LabCorp
Classification: Likely benign. Last evaluated: 2026-01-30. Review status: criteria provided, single submitter. Criteria: LabCorp Variant Classification Summary - May 2015. Collection method: clinical testing. Allele origin: germline.
Comment: Variant summary: ACP5 c.814C>T (p.Arg272Cys) results in a non-conservative amino acid change in the encoded protein sequence. Algorithms developed to predict the effect of missense changes on protein structure and function are either unavailable or do not agree on the potential impact of this missense change. The variant allele was found at a frequency of 0.0032 in 251074 control chromosomes, predominantly at a frequency of 0.0048 within the Non-Finnish European subpopulation in the gnomAD database, including 3 homozygotes. The observed variant frequency within Non-Finnish European control individuals in the gnomAD database exceeds the estimated maximal expected allele frequency for disease-causing variants in ACP5. c.814C>T has been observed in individual(s) affected with Spondyloenchondrodysplasia with immune dysregulation (Yalcinkaya_2025). These report(s) do not provide unequivocal conclusions about association of the variant with Spondyloenchondrodysplasia with immune dysregulation. To our knowledge, no experimental evidence demonstrating an impact on protein function has been reported. ClinVar contains an entry for this variant (Variation ID: 198455). Based on the evidence outlined above, the variant was classified as likely benign.

GeneDx
Classification: Uncertain significance. Last evaluated: 2025-12-30. Review status: criteria provided, single submitter. Criteria: GeneDx Variant Classification Process June 2021. Collection method: clinical testing. Allele origin: germline. Affected: yes.
Comment: In silico analysis supports that this missense variant has a deleterious effect on protein structure/function; This variant is associated with the following publications: (PMID: 40145172)

Mayo Clinic Laboratories, Mayo Clinic
Classification: Benign. Last evaluated: 2025-08-11. Review status: criteria provided, single submitter. Criteria: ACMG Guidelines, 2015. Collection method: clinical testing. Allele origin: germline. Observed: 5 variant alleles.
Comment: BS1, BS2, BP4

Center for Genomics, Ann and Robert H. Lurie Children's Hospital of Chicago
Classification: Likely benign for Spondyloenchondrodysplasia with immune dysregulation. Last evaluated: 2025-06-30. Review status: criteria provided, single submitter. Criteria: ACMG Guidelines, 2015. Collection method: clinical testing. Allele origin: germline.
Comment: BS2, BP4

Blueprint Genetics
Classification: Likely benign. Last evaluated: 2024-11-28. Review status: criteria provided, single submitter. Criteria: ACMG Guidelines, 2015. Collection method: clinical testing. Allele origin: germline.

Center for Pediatric Genomic Medicine, Children's Mercy Hospital and Clinics
Classification: Likely benign. Last evaluated: 2017-06-12. Review status: criteria provided, single submitter. Criteria: ACMG Guidelines, 2015. Collection method: clinical testing. Allele origin: germline.

Institute for Genomic Medicine (IGM) Clinical Laboratory, Nationwide Children's Hospital
Classification: Benign. Last evaluated: 2017-03-17. Review status: criteria provided, single submitter. Criteria: ACMG Guidelines, 2015. Collection method: clinical testing. Allele origin: germline.
Comment: BS1, BS2, BP6; This alteration has an allele frequency that is greater than expected for the associated disease, was seen in a healthy adult where full penetrance of the disorder is expected at an early age, and was reported as a benign/likely benign alteration by a reputable source (ClinVar or other correspondence from a clinical testing laboratory).

Eurofins Ntd Llc (ga)
Classification: Benign. Last evaluated: 2015-05-01. Review status: criteria provided, single submitter. Criteria: EGL Classification Definitions 2015. Collection method: clinical testing. Allele origin: germline.

PreventionGenetics, part of Exact Sciences
Classification: Likely benign for ACP5-related condition. Last evaluated: 2022-05-03. Review status: no assertion criteria provided. Collection method: clinical testing. Allele origin: germline. Not counted in ClinVar's aggregate classification.
Comment: This variant is classified as likely benign based on ACMG/AMP sequence variant interpretation guidelines (Richards et al. 2015 PMID: 25741868, with internal and published modifications).

Clinical Genetics DNA and cytogenetics Diagnostics Lab, Erasmus MC, Erasmus Medical Center
Classification: Likely benign. Review status: no assertion criteria provided. Collection method: clinical testing. Allele origin: germline. Affected: yes. Study: VKGL Data-share Consensus. Not counted in ClinVar's aggregate classification.

Genome Diagnostics Laboratory, University Medical Center Utrecht
Classification: Likely benign. Review status: no assertion criteria provided. Collection method: clinical testing. Allele origin: germline. Affected: yes. Study: VKGL Data-share Consensus. Not counted in ClinVar's aggregate classification.

Laboratory of Diagnostic Genome Analysis, Leiden University Medical Center (LUMC)
Classification: Likely benign. Review status: no assertion criteria provided. Collection method: clinical testing. Allele origin: germline. Affected: yes. Study: VKGL Data-share Consensus. Not counted in ClinVar's aggregate classification.

Literature cited by the submitters: PubMed 40145172 (cited by Women's Health and Genetics/Laboratory Corporation of America, LabCorp).

NM_001611.5(ACP5):c.814C>T (p.Arg272Cys)

Gene: ACP5 (acid phosphatase 5, tartrate resistant; minus strand). Cytogenetic location: 19p13.2.
Variant type: single nucleotide variant.
Coding change: c.814C>T on transcript NM_001611.5 (MANE Select); coding-DNA position 814, C replaced by T.
Protein change: p.Arg272Cys; replaces arginine 272 with cysteine.
Molecular consequence: missense variant.
Genome position (GRCh38, 1-based): chr19:11,575,174, G>A on the plus strand (C>T on the coding strand, the complement: ACP5 is on the minus strand). VCF-style: chr19-11575174-G-A. GRCh37 (hg19) VCF-style: chr19-11685989-G-A.
Other names: p.Arg272Cys; c.814C>T, p.Arg272Cys (LRG_1218t1, NM_001111034.3, NM_001111035.3 and 2 more transcripts); short protein forms R272C.
Identifiers: ClinVar variation 198455 (VCV000198455.73), dbSNP rs147025508, ClinGen allele CA203459.
Genomic context (GRCh38, chr19:11,575,174, plus strand): 5'-AGCCACCCAGTGAGTCTTCAGTCCCATAGTGGAAGCGCAGATAGCCGTTGGGGACCTTGC[G>A]CTGGTGCCGCTTTGAGGGGTCCATGAAATTCCCAGCCCCACTCAGCACGTAGCCCACGCC-3'
Protein context (NP_001602.1, residues 262-282): NFMDPSKRHQ[Arg272Cys]KVPNGYLRFH